The following is an entry in ClinVar:

NM_005762.3(TRIM28):c.115_120dup (p.Ala40_Ser41insAlaAla)

Genes: TRIM28 (tripartite motif containing 28; plus strand), LOC130065239 (ATAC-STARR-seq lymphoblastoid silent region 11093; plus strand). Cytogenetic location: 19q13.43.
Variant type: Duplication.
Coding change: c.115_120dup on transcript NM_005762.3 (MANE Select); coding-DNA positions 115 to 120, 6 bases duplicated (GCAGCC; older notation c.115_120dupGCAGCC).
Protein change: p.Ala40_Ser41insAlaAla.
Genome position (GRCh38, 1-based): chr19:58,544,872-58,544,877, GCAGCC duplicated; duplicating any 6 consecutive bases within chr19:58,544,869-58,544,877 gives the same sequence; the c. name uses the placement nearest the transcript's 3' end. VCF-style (leftmost placement, unchanged base first): chr19-58544868-G-GGCCGCA. GRCh37 (hg19) VCF-style: chr19-59056235-G-GGCCGCA.
Identifiers: ClinVar variation 3659622 (VCV003659622.2).

ClinVar aggregate classification (germline): Uncertain significance (1 of 4 stars; one submission).

Submission:

Labcorp Genetics (formerly Invitae), Labcorp
Classification: Uncertain significance. Last evaluated: 2024-07-16. Review status: criteria provided, single submitter. Criteria: Invitae Variant Classification Sherloc (09022015). Collection method: clinical testing. Allele origin: germline.
Comment: This variant, c.115_120dup, results in the insertion of 2 amino acid(s) of the TRIM28 protein (p.Ala39_Ala40dup), but otherwise preserves the integrity of the reading frame. This variant is not present in population databases (gnomAD no frequency). This variant has not been reported in the literature in individuals affected with TRIM28-related conditions. In summary, the available evidence is currently insufficient to determine the role of this variant in disease. Therefore, it has been classified as a Variant of Uncertain Significance.